The following continues an entry in ClinVar:

NM_007294.4(BRCA1):c.1082_1092del (p.Cys360_Ser361insTer)

Gene: BRCA1. ClinVar aggregate classification (germline): Pathogenic. Pathogenic (1).

Submissions 12 to 21 of 21:

ARUP Laboratories, Molecular Genetics and Genomics, ARUP Laboratories
Classification: Pathogenic. Last evaluated: 2019-01-05. Review status: criteria provided, single submitter. Criteria: ARUP Molecular Germline Variant Investigation Process. Collection method: clinical testing. Allele origin: germline. Not counted in ClinVar's aggregate classification.
Comment: The BRCA1 c.1082_1092del11; p.Ser361Ter variant (rs80359880), also known as 1201del11, is reported in the literature in multiple individuals affected with early-onset breast and/or ovarian cancer, and is thought to be a founder variant in Sweden (Borg 2010, Janavicius 2010, Johannsson 1996, Loman 2001, Malander 2004, Shattuck-Eidens 1995). This variant is reported as pathogenic by multiple laboratories in ClinVar (Variation ID: 54122), and is only observed on three alleles in the Genome Aggregation Database, indicating it is not a common polymorphism. This variant induces an early termination codon and is predicted to result in a truncated protein or mRNA subject to nonsense-mediated decay. Based on available information, this variant is considered to be pathogenic. References: Borg A et al. Characterization of BRCA1 and BRCA2 deleterious mutations and variants of unknown clinical significance in unilateral and bilateral breast cancer: the WECARE study. Hum Mutat. 2010 Mar;31(3):E1200-40. Janavicius R et al. Founder BRCA1/2 mutations in the Europe: implications for hereditary breast-ovarian cancer prevention and control. EPMA J. 2010 Sep;1(3):397-412. Johannsson O et al. Founding BRCA1 mutations in hereditary breast and ovarian cancer in southern Sweden. Am J Hum Genet. 1996 Mar;58(3):441-50. Loman N et al. Family history of breast and ovarian cancers and BRCA1 and BRCA2 mutations in a population-based series of early-onset breast cancer. J Natl Cancer Inst. 2001 Aug 15;93(16):1215-23. Malander S et al. One in 10 ovarian cancer patients carry germ line BRCA1 or BRCA2 mutations: results of a prospective study in Southern Sweden. Eur J Cancer. 2004 Feb;40(3):422-8. Shattuck-Eidens D et al. A collaborative survey of 80 mutations in the BRCA1 breast and ovarian cancer susceptibility gene. Implications for presymptomatic testing and screening. JAMA. 1995 273(7):535-41.

Quest Diagnostics Nichols Institute San Juan Capistrano
Classification: Pathogenic. Last evaluated: 2017-12-11. Review status: criteria provided, single submitter. Criteria: Quest Diagnostics criteria. Collection method: clinical testing. Allele origin: germline. Not counted in ClinVar's aggregate classification.

Molecular Genetics Laboratory, University of Michigan
Classification: Pathogenic for Breast-ovarian cancer, familial, susceptibility to, 1. Last evaluated: 2016-04-21. Review status: criteria provided, single submitter. Criteria: ACMG Guidelines, 2015. Collection method: clinical testing. Allele origin: germline. Affected: yes. Not counted in ClinVar's aggregate classification.

Consortium of Investigators of Modifiers of BRCA1/2 (CIMBA), c/o University of Cambridge
Classification: Pathogenic for Breast-ovarian cancer, familial, susceptibility to, 1. Last evaluated: 2015-10-02. Review status: criteria provided, single submitter. Criteria: CIMBA Mutation Classification guidelines May 2016. Collection method: clinical testing. Allele origin: germline. Not counted in ClinVar's aggregate classification.

Clinical Genetics and Genomics, Karolinska University Hospital
Classification: Pathogenic. Last evaluated: 2015-02-12. Review status: criteria provided, single submitter. Criteria: ACMG Guidelines, 2015. Collection method: clinical testing. Allele origin: germline. Affected: yes. Observed: 12 variant alleles. Not counted in ClinVar's aggregate classification.

BRCAlab, Lund University
Classification: Pathogenic for Breast-ovarian cancer, familial, susceptibility to, 1. Last evaluated: 2022-08-26. Review status: no assertion criteria provided. Collection method: clinical testing. Allele origin: germline. Affected: yes. Not counted in ClinVar's aggregate classification.

Counsyl
Classification: Pathogenic for Breast-ovarian cancer, familial, susceptibility to, 1. Last evaluated: 2017-07-27. Review status: no assertion criteria provided. Collection method: clinical testing. Allele origin: unknown. Not counted in ClinVar's aggregate classification.

Research Molecular Genetics Laboratory, Women's College Hospital, University of Toronto
Classification: Pathogenic for Hereditary breast ovarian cancer syndrome. Last evaluated: 2014-01-31. Review status: no assertion criteria provided. Collection method: research. Allele origin: germline. Affected: yes. Study: The Canadian Open Genetics Repository (COGR). Not counted in ClinVar's aggregate classification.

Breast Cancer Information Core (BIC) (BRCA1)
Classification: Pathogenic for Breast-ovarian cancer, familial 1. Last evaluated: 2013-02-20. Review status: no assertion criteria provided. Collection method: clinical testing. Allele origin: germline. Affected: yes. Observed: 15 variant alleles. Not counted in ClinVar's aggregate classification.

Sharing Clinical Reports Project (SCRP)
Classification: Pathogenic for Breast-ovarian cancer, familial 1. Last evaluated: 2012-08-14. Review status: no assertion criteria provided. Collection method: clinical testing. Allele origin: germline. Not counted in ClinVar's aggregate classification.

Literature cited by the submitters: PubMed 20104584 (cited by 3 submitters); PubMed 7837387 (cited by Labcorp Genetics (formerly Invitae), Labcorp and Laboratory for Molecular Medicine, Mass General Brigham Personalized Medicine); PubMed 8644702 (cited by Labcorp Genetics (formerly Invitae), Labcorp); PubMed 11504767 (cited by Labcorp Genetics (formerly Invitae), Labcorp and Laboratory for Molecular Medicine, Mass General Brigham Personalized Medicine); PubMed 23704984 (cited by Labcorp Genetics (formerly Invitae), Labcorp); PubMed 29446198 (cited by Ambry Genetics and Laboratory for Molecular Medicine, Mass General Brigham Personalized Medicine); PubMed 33471991 (cited by Ambry Genetics); PubMed 9150154 (cited by 3 submitters); PubMed 30322717 (cited by Women's Health and Genetics/Laboratory Corporation of America, LabCorp and Laboratory for Molecular Medicine, Mass General Brigham Personalized Medicine); PubMed 30175445 (cited by Laboratory for Molecular Medicine, Mass General Brigham Personalized Medicine); PubMed 30720243 (cited by Laboratory for Molecular Medicine, Mass General Brigham Personalized Medicine); PubMed 23199084 (cited by Laboratory for Molecular Medicine, Mass General Brigham Personalized Medicine).